The following is an entry in ClinVar:

ClinVar aggregate classification (germline): Uncertain significance. Review status: criteria provided, multiple submitters, no conflicts (2 of 4 stars). 3 submissions from 3 submitters: Uncertain significance (3). Last evaluated 2025-02-19.

Conditions:
Hereditary cancer-predisposing syndrome. Also called: Neoplastic Syndromes, Hereditary; Hereditary Cancer Syndrome; Hereditary neoplastic syndrome; Tumor predisposition. Identifiers: Orphanet 140162, MedGen C0027672, MeSH D009386, MONDO:0015356.
Peutz-Jeghers syndrome (PJS). Also called: POLYPOSIS, HAMARTOMATOUS INTESTINAL; POLYPS-AND-SPOTS SYNDROME; Peutz-Jeghers polyposis; Periorificial lentiginosis syndrome. Identifiers: Orphanet 2869, MedGen C0031269, MeSH D010580, MONDO:0008280, OMIM 175200.

gnomAD v4.1: 3 of 1,571,260 alleles (0.00019%); highest among the groups gnomAD compares: Non-Finnish European, 0.00026%; no homozygotes.

Submissions (3):

Labcorp Genetics (formerly Invitae), Labcorp
Classification: Uncertain significance for Peutz-Jeghers syndrome. Last evaluated: 2025-02-19. Review status: criteria provided, single submitter. Criteria: Invitae Variant Classification Sherloc (09022015). Collection method: clinical testing. Allele origin: germline.
Comment: This sequence change replaces arginine, which is basic and polar, with leucine, which is neutral and non-polar, at codon 415 of the STK11 protein (p.Arg415Leu). This variant is not present in population databases (gnomAD no frequency). This variant has not been reported in the literature in individuals affected with STK11-related conditions. ClinVar contains an entry for this variant (Variation ID: 854541). Invitae Evidence Modeling of protein sequence and biophysical properties (such as structural, functional, and spatial information, amino acid conservation, physicochemical variation, residue mobility, and thermodynamic stability) indicates that this missense variant is not expected to disrupt STK11 protein function with a negative predictive value of 95%. In summary, the available evidence is currently insufficient to determine the role of this variant in disease. Therefore, it has been classified as a Variant of Uncertain Significance.

Ambry Genetics
Classification: Uncertain significance for Hereditary cancer-predisposing syndrome. Last evaluated: 2023-07-13. Review status: criteria provided, single submitter. Criteria: Ambry Variant Classification Scheme 2023. Collection method: clinical testing. Allele origin: germline.
Comment: The p.R415L variant (also known as c.1244G>T), located in coding exon 9 of the STK11 gene, results from a G to T substitution at nucleotide position 1244. The arginine at codon 415 is replaced by leucine, an amino acid with dissimilar properties. This amino acid position is highly conserved in available vertebrate species. In addition, this alteration is predicted to be deleterious by in silico analysis. Since supporting evidence is limited at this time, the clinical significance of this alteration remains unclear.

Color Diagnostics, LLC DBA Color Health
Classification: Uncertain significance for Hereditary cancer-predisposing syndrome. Last evaluated: 2022-08-10. Review status: criteria provided, single submitter. Criteria: ACMG Guidelines, 2015. Collection method: clinical testing. Allele origin: germline.
Comment: This missense variant replaces arginine with leucine at codon 415 of the STK11 protein. Computational prediction suggests that this variant may not impact protein structure and function (internally defined REVEL score threshold <= 0.5, PMID: 27666373). To our knowledge, functional studies have not been reported for this variant. This variant has not been reported in individuals affected with hereditary cancer in the literature. This variant has not been identified in the general population by the Genome Aggregation Database (gnomAD). The available evidence is insufficient to determine the role of this variant in disease conclusively. Therefore, this variant is classified as a Variant of Uncertain Significance.

NM_000455.5(STK11):c.1244G>T (p.Arg415Leu)

Gene: STK11 (serine/threonine kinase 11; plus strand). Cytogenetic location: 19p13.3.
Variant type: single nucleotide variant.
Coding change: c.1244G>T on transcript NM_000455.5 (MANE Select); coding-DNA position 1244, G replaced by T.
Protein change: p.Arg415Leu; replaces arginine 415 with leucine.
Molecular consequence: missense variant.
Genome position (GRCh38, 1-based): chr19:1,226,589, G>T. VCF-style: chr19-1226589-G-T. GRCh37 (hg19) VCF-style: chr19-1226588-G-T.
Other names: short protein forms R415L.
Identifiers: ClinVar variation 854541 (VCV000854541.14), dbSNP rs775978755, ClinGen allele CA402953975.